The following is an entry in ClinVar:

ClinVar aggregate classification (germline): Benign. Review status: criteria provided, multiple submitters, no conflicts (2 of 4 stars). 5 submissions from 5 submitters: Benign (5). Last evaluated 2026-02-01.

Allele frequency attached by ClinVar (database versions not stated): gnomAD exomes 0.00203 and 0.00431; ExAC 0.00679; gnomAD 0.01785 and 0.01906; ESP Exome Variant Server 0.01786; 1000 Genomes Project 0.02037; 1000 Genomes Project 30x 0.02249.

Submissions (5):

Labcorp Genetics (formerly Invitae), Labcorp
Classification: Benign. Last evaluated: 2026-02-01. Review status: criteria provided, single submitter. Criteria: Invitae Variant Classification Sherloc (09022015). Collection method: clinical testing. Allele origin: germline.

Dasa
Classification: Benign. Last evaluated: 2025-11-20. Review status: criteria provided, single submitter. Criteria: DASA Assertion Criteria. Collection method: clinical testing. Allele origin: germline.
Comment: NM_000260.4(MYO7A):c.736-15_736-4dup is interpreted as benign based on a combination of available evidence, which may include population frequency, observations in unaffected individuals, intact protein function, lack of segregation with disease, in silico models, amino acid conservation, lack of disease association in case-control studies, and/or inconsistency with the known disease mechanism or impacted region. Based on the available data, this variant is classified as benign.

GeneDx
Classification: Benign. Last evaluated: 2018-02-08. Review status: criteria provided, single submitter. Criteria: GeneDx Variant Classification Process June 2021. Collection method: clinical testing. Allele origin: germline. Affected: yes.

Center for Pediatric Genomic Medicine, Children's Mercy Hospital and Clinics
Classification: Benign. Last evaluated: 2015-08-26. Review status: criteria provided, single submitter. Criteria: ACMG Guidelines, 2015. Collection method: clinical testing. Allele origin: germline.

Laboratory for Molecular Medicine, Mass General Brigham Personalized Medicine
Classification: Benign. Last evaluated: 2015-07-30. Review status: criteria provided, single submitter. Criteria: LMM Criteria. Collection method: clinical testing. Allele origin: germline. Observed: 3 variant alleles.
Comment: c.736-15_736-4dup in intron 7 of MYO7A: This variant is not expected to have cli nical significance because it has been identified in 6.9% (343/4990) of African chromosomes by the Exome Aggregation Consortium (ExAC; dbSNP rs111537161).

NM_000260.4(MYO7A):c.736-15_736-4dup

Gene: MYO7A (myosin VIIA; plus strand). Cytogenetic location: 11q13.5.
Variant type: Duplication.
Coding change: c.736-15_736-4dup on transcript NM_000260.4 (MANE Select); 15 bases into the intron before coding-DNA position 736 through 4 bases into the intron before coding-DNA position 736, 12 bases duplicated (TGCCCACATTTT).
Molecular consequence: intron variant.
Genome position (GRCh38, 1-based): chr11:77,157,264-77,157,275, TGCCCACATTTT duplicated. VCF-style (leftmost placement, unchanged base first): chr11-77157263-G-GTGCCCACATTTT. GRCh37 (hg19) VCF-style: chr11-76868309-G-GTGCCCACATTTT.
Other names: c.703-15_703-4dup (NM_001369365.1); c.736-15_736-4dup (NM_001127180.2).
Identifiers: ClinVar variation 43342 (VCV000043342.18), dbSNP rs111033503, ClinGen allele CA132451.